The following is an entry in ClinVar:

NM_133642.5(LARGE1):c.99C>T (p.Ser33=)

Gene: LARGE1 (LARGE xylosyl- and glucuronyltransferase 1; minus strand). Cytogenetic location: 22q12.3.
Variant type: single nucleotide variant.
Coding change: c.99C>T on transcript NM_133642.5 (MANE Select); coding-DNA position 99, C replaced by T.
Protein change: p.Ser33=; no amino-acid change (serine 33 retained).
Molecular consequence: synonymous variant.
Genome position (GRCh38, 1-based): chr22:33,761,378, G>A on the plus strand (C>T on the coding strand, the complement: LARGE1 is on the minus strand). VCF-style: chr22-33761378-G-A. GRCh37 (hg19) VCF-style: chr22-34157365-G-A.
Other names: c.99C>T (NM_004737.5); c.99C>T, p.Ser33= (NM_001362949.2, NM_001362951.2, NM_001362953.2 and 7 more transcripts).
Identifiers: ClinVar variation 704457 (VCV000704457.18), dbSNP rs377353667, ClinGen allele CA10203167.

ClinVar aggregate classification (germline): Conflicting classifications of pathogenicity. Review status: criteria provided, conflicting classifications (1 of 4 stars). 5 submissions from 4 submitters: Uncertain significance (2); Likely benign (2). 1 of the submissions does not count toward it. Last evaluated 2026-01-20.

Conditions:
Muscular dystrophy-dystroglycanopathy type B6 (MDDGB6). Also called: MUSCULAR DYSTROPHY-DYSTROGLYCANOPATHY (CONGENITAL WITH IMPAIRED INTELLECTUAL DEVELOPMENT), TYPE B, 6; MUSCULAR DYSTROPHY, CONGENITAL, LARGE-RELATED; MUSCULAR DYSTROPHY, CONGENITAL, TYPE 1D. Identifiers: MedGen C1837229, MONDO:0012138, OMIM 608840.
Muscular dystrophy-dystroglycanopathy (congenital with brain and eye anomalies), type A6. Also called: WALKER-WARBURG SYNDROME OR MUSCLE-EYE-BRAIN DISEASE, LARGE-RELATED; MUSCULAR DYSTROPHY-DYSTROGLYCANOPATHY (CONGENITAL WITH BRAIN AND EYE ANOMALIES), TYPE A, 6. Identifiers: Orphanet 588, Orphanet 899, MedGen C3150414, MONDO:0013158, OMIM 613154.
LARGE1-related disorder. Also called: LARGE1-related condition.

Allele frequency attached by ClinVar (database versions not stated): gnomAD exomes 0.00004 and 0.00006; TOPMed 0.00005; ExAC 0.00006; gnomAD 0.00006 and 0.00007; ESP Exome Variant Server 0.00015.
gnomAD v4.1: 102 of 1,612,880 alleles (0.0063%); highest among the groups gnomAD compares: Non-Finnish European, 0.0082%; no homozygotes.

Submissions (5):

Labcorp Genetics (formerly Invitae), Labcorp
Classification: Likely benign for Muscular dystrophy-dystroglycanopathy type B6. Last evaluated: 2026-01-20. Review status: criteria provided, single submitter. Criteria: Invitae Variant Classification Sherloc (09022015). Collection method: clinical testing. Allele origin: germline.

Blueprint Genetics
Classification: Likely benign. Last evaluated: 2024-11-18. Review status: criteria provided, single submitter. Criteria: ACMG Guidelines, 2015. Collection method: clinical testing. Allele origin: germline.

Illumina Laboratory Services, Illumina
Classification: Uncertain significance for Muscular dystrophy-dystroglycanopathy type B6. Last evaluated: 2017-04-27. Review status: criteria provided, single submitter. Criteria: ICSL Variant Classification Criteria 13 December 2019. Collection method: clinical testing. Allele origin: germline.

Illumina Laboratory Services, Illumina
Classification: Uncertain significance for Muscular dystrophy-dystroglycanopathy (congenital with brain and eye anomalies), type A6. Last evaluated: 2017-04-27. Review status: criteria provided, single submitter. Criteria: ICSL Variant Classification Criteria 13 December 2019. Collection method: clinical testing. Allele origin: germline.

PreventionGenetics, part of Exact Sciences
Classification: Likely benign for LARGE1-related condition. Last evaluated: 2019-07-23. Review status: no assertion criteria provided. Collection method: clinical testing. Allele origin: germline. Not counted in ClinVar's aggregate classification.
Comment: This variant is classified as likely benign based on ACMG/AMP sequence variant interpretation guidelines (Richards et al. 2015 PMID: 25741868, with internal and published modifications).